The following is an entry in ClinVar:

NM_006031.6(PCNT):c.2777C>T (p.Ala926Val)

Gene: PCNT (pericentrin; plus strand). Cytogenetic location: 21q22.3.
Variant type: single nucleotide variant.
Coding change: c.2777C>T on transcript NM_006031.6 (MANE Select); coding-DNA position 2777, C replaced by T.
Protein change: p.Ala926Val; replaces alanine 926 with valine.
Molecular consequence: missense variant.
Genome position (GRCh38, 1-based): chr21:46,366,751, C>T. VCF-style: chr21-46366751-C-T. GRCh37 (hg19) VCF-style: chr21-47786666-C-T.
Other names: c.2423C>T, p.Ala808Val (NM_001315529.2); short protein forms A926V, A808V.
Identifiers: ClinVar variation 4979726 (VCV004979726.1).

ClinVar aggregate classification (germline): Uncertain significance (1 of 4 stars; one submission).

Conditions:
PCNT-related disorder. Also called: PCNT-related condition.

gnomAD v4.1: 6 of 1,613,572 alleles (0.00037%); highest among the groups gnomAD compares: South Asian, 0.0044%; no homozygotes.

Submission:

PreventionGenetics, part of Exact Sciences
Classification: Uncertain significance for PCNT-related condition. Last evaluated: 2025-10-13. Review status: criteria provided, single submitter. Criteria: ACMG Guidelines, 2015. Collection method: clinical testing. Allele origin: germline.
Comment: The PCNT c.2777C>T variant is predicted to result in the amino acid substitution p.Ala926Val. To our knowledge, this variant has not been reported in the literature. This variant is reported in 0.0033% of alleles in individuals of South Asian descent in gnomAD. At this time, the clinical significance of this variant is uncertain due to the absence of conclusive functional and genetic evidence.